The following is an entry in ClinVar:

NM_000018.4(ACADVL):c.393C>G (p.Thr131=)

Gene: ACADVL (acyl-CoA dehydrogenase very long chain; plus strand). Cytogenetic location: 17p13.1.
Variant type: single nucleotide variant.
Coding change: c.393C>G on transcript NM_000018.4 (MANE Select); coding-DNA position 393, C replaced by G.
Protein change: p.Thr131=; no amino-acid change (threonine 131 retained).
Molecular consequence: synonymous variant.
Genome position (GRCh38, 1-based): chr17:7,220,974, C>G. VCF-style: chr17-7220974-C-G. GRCh37 (hg19) VCF-style: chr17-7124293-C-G.
Other names: c.327C>G, p.Thr109= (NM_001033859.3); c.462C>G, p.Thr154= (NM_001270447.2); c.165C>G, p.Thr55= (NM_001270448.2).
Identifiers: ClinVar variation 474897 (VCV000474897.13), dbSNP rs754931255, ClinGen allele CA8337694.

ClinVar aggregate classification (germline): Conflicting classifications of pathogenicity. Review status: criteria provided, conflicting classifications (1 of 4 stars). 3 submissions from 3 submitters: Uncertain significance (1); Likely benign (2). Last evaluated 2026-09-01.

Conditions:
Very long chain acyl-CoA dehydrogenase deficiency (ACADVLD). Also called: VLCAD Deficiency; Very Long-Chain Acyl-Coenzyme A Dehydrogenase Deficiency. Identifiers: Orphanet 26793, MedGen C3887523, MONDO:0008723, OMIM 201475.

Allele frequency attached by ClinVar (database versions not stated): gnomAD 0.00001; ExAC 0.00002; gnomAD exomes 0.00002; TOPMed 0.00002.

Submissions (3):

CeGaT Center for Human Genetics Tuebingen
Classification: Uncertain significance. Last evaluated: 2026-09-01. Review status: criteria provided, single submitter. Criteria: CeGaT Center For Human Genetics Tuebingen Variant Classification Criteria Version 2. Collection method: clinical testing. Allele origin: germline. Affected: yes. Observed: 1 variant allele.
Comment: ACADVL: PM2, BP4

Labcorp Genetics (formerly Invitae), Labcorp
Classification: Likely benign for Very long chain acyl-CoA dehydrogenase deficiency. Last evaluated: 2025-11-03. Review status: criteria provided, single submitter. Criteria: Invitae Variant Classification Sherloc (09022015). Collection method: clinical testing. Allele origin: germline.

Blueprint Genetics
Classification: Likely benign. Last evaluated: 2021-08-09. Review status: criteria provided, single submitter. Criteria: ACMG Guidelines, 2015. Collection method: clinical testing. Allele origin: germline.